The following is an entry in ClinVar:

ClinVar aggregate classification (germline): Uncertain significance. Review status: criteria provided, multiple submitters, no conflicts (2 of 4 stars). 2 submissions from 2 submitters: Uncertain significance (2). Last evaluated 2025-01-22.

Allele frequency attached by ClinVar (database versions not stated): ExAC 0.00001; TOPMed 0.00001; gnomAD exomes 0.00002.
gnomAD v4.1: 27 of 1,614,168 alleles (0.0017%); highest among the groups gnomAD compares: East Asian, 0.0089%; no homozygotes.

Submissions (2):

Ambry Genetics
Classification: Uncertain significance. Last evaluated: 2025-01-22. Review status: criteria provided, single submitter. Criteria: Ambry Variant Classification Scheme 2023. Collection method: clinical testing. Allele origin: germline.

Labcorp Genetics (formerly Invitae), Labcorp
Classification: Uncertain significance. Last evaluated: 2022-03-11. Review status: criteria provided, single submitter. Criteria: Invitae Variant Classification Sherloc (09022015). Collection method: clinical testing. Allele origin: germline.
Comment: This sequence change replaces arginine, which is basic and polar, with tryptophan, which is neutral and slightly polar, at codon 73 of the ZNF341 protein (p.Arg73Trp). This variant is present in population databases (rs765975428, gnomAD 0.02%). This variant has not been reported in the literature in individuals affected with ZNF341-related conditions. Algorithms developed to predict the effect of missense changes on protein structure and function (SIFT, PolyPhen-2, Align-GVGD) all suggest that this variant is likely to be disruptive. In summary, the available evidence is currently insufficient to determine the role of this variant in disease. Therefore, it has been classified as a Variant of Uncertain Significance.

NM_001282933.2(ZNF341):c.217C>T (p.Arg73Trp)

Gene: ZNF341 (zinc finger protein 341; plus strand). Cytogenetic location: 20q11.22.
Variant type: single nucleotide variant.
Coding change: c.217C>T on transcript NM_001282933.2 (MANE Select); coding-DNA position 217, C replaced by T.
Protein change: p.Arg73Trp; replaces arginine 73 with tryptophan.
Molecular consequence: missense variant. On other transcripts: non-coding transcript variant (1), intron variant (1).
Genome position (GRCh38, 1-based): chr20:33,745,177, C>T. VCF-style: chr20-33745177-C-T. GRCh37 (hg19) VCF-style: chr20-32332983-C-T.
Other names: c.217C>T, p.Arg73Trp (NM_032819.5); c.70-3746C>T (NM_001282935.2); c.217C>T (NM_032819.3); short protein forms R73W.
Identifiers: ClinVar variation 2181138 (VCV002181138.2), dbSNP rs765975428, ClinGen allele CA9819102.
Genomic context (GRCh38, chr20:33,745,177, plus strand): 5'-TTTCTCTGCGGGAAGTGTAAGAAGCAATTCAACTCGCTGCCAGCGTTTATGACCCACAAG[C>T]GGGAACAGTGCCAGGGGAATGCCCCCGCCCTGGCCACAGTCTCACTGGCCACCAACAGCA-3'
Protein context (NP_001269862.1, residues 63-83): NSLPAFMTHK[Arg73Trp]EQCQGNAPAL